The following is an entry in ClinVar:

NM_001089.3(ABCA3):c.3862+2T>C

Gene: ABCA3 (ATP binding cassette subfamily A member 3; minus strand). Cytogenetic location: 16p13.3.
Variant type: single nucleotide variant.
Coding change: c.3862+2T>C on transcript NM_001089.3 (MANE Select); the canonical splice donor site of the intron after coding-DNA position 3862, T replaced by C.
Molecular consequence: splice donor variant.
Genome position (GRCh38, 1-based): chr16:2,284,277, A>G on the plus strand (T>C on the coding strand, the complement: ABCA3 is on the minus strand). VCF-style: chr16-2284277-A-G. GRCh37 (hg19) VCF-style: chr16-2334278-A-G.
Identifiers: ClinVar variation 3731370 (VCV003731370.1).

ClinVar aggregate classification (germline): Likely pathogenic (1 of 4 stars; one submission).

Conditions:
Interstitial lung disease due to ABCA3 deficiency. Also called: PULMONARY ALVEOLAR PROTEINOSIS, CONGENITAL, 3. Identifiers: Orphanet 440402, MedGen C1970456, MONDO:0012582, OMIM 610921.

Submission:

Neuberg Centre For Genomic Medicine, NCGM
Classification: Likely pathogenic for Interstitial lung disease due to ABCA3 deficiency. Last evaluated: 2023-06-22. Review status: criteria provided, single submitter. Criteria: ACMG Guidelines, 2015. Collection method: clinical testing. Allele origin: germline. Inheritance: Autosomal recessive inheritance. Affected: yes.
Comment: The invariant splice donor c.3862+2T>C variant in ABCA3 gene has not been reported previously as a pathogenic variant nor as a benign variant, to our knowledge. The c.3862+2T>C variant is absent in gnomAD Exomes. This variant has not been submitted to the ClinVar database. SpliceAI predicts this variant to cause splice donor loss (0.89) and splice donor gain (0.52). Loss of function variants have been previously reported to be disease causing. For these reasons, this variant has been classified as Likely pathogenic. In absence of another reportable variant in ABCA3 gene, the molecular diagnosis is not confirmed.